The following is an entry in ClinVar:

ClinVar aggregate classification (germline): Uncertain significance (1 of 4 stars; one submission).

Conditions:
Retinoblastoma (RB1). Also called: RETINOBLASTOMA, SOMATIC. Identifiers: Orphanet 790, MedGen C0035335, MeSH D012175, MONDO:0008380, OMIM 180200, HP:0009919. Disease mechanism: loss of function. Inheritance: Both sporadic and heritable forms are tested..

Submission:

Labcorp Genetics (formerly Invitae), Labcorp
Classification: Uncertain significance for Retinoblastoma. Last evaluated: 2022-03-01. Review status: criteria provided, single submitter. Criteria: Invitae Variant Classification Sherloc (09022015). Collection method: clinical testing. Allele origin: germline.
Comment: In summary, the available evidence is currently insufficient to determine the role of this variant in disease. Therefore, it has been classified as a Variant of Uncertain Significance. Algorithms developed to predict the effect of missense changes on protein structure and function (SIFT, PolyPhen-2, Align-GVGD) all suggest that this variant is likely to be tolerated. This variant has not been reported in the literature in individuals affected with RB1-related conditions. This variant is not present in population databases (gnomAD no frequency). This sequence change replaces valine, which is neutral and non-polar, with isoleucine, which is neutral and non-polar, at codon 378 of the RB1 protein (p.Val378Ile).

NM_000321.3(RB1):c.1132G>A (p.Val378Ile)

Gene: RB1 (RB transcriptional corepressor 1; plus strand). Cytogenetic location: 13q14.2.
Variant type: single nucleotide variant.
Coding change: c.1132G>A on transcript NM_000321.3 (MANE Select); coding-DNA position 1132, G replaced by A.
Protein change: p.Val378Ile; replaces valine 378 with isoleucine.
Molecular consequence: missense variant.
Genome position (GRCh38, 1-based): chr13:48,373,409, G>A. VCF-style: chr13-48373409-G-A. GRCh37 (hg19) VCF-style: chr13-48947545-G-A.
Other names: c.1132G>A, p.Val378Ile (NM_001407165.1, NM_001407166.1); short protein forms V378I.
Identifiers: ClinVar variation 2105113 (VCV002105113.4), dbSNP rs2138130904, ClinGen allele CA388161432.